The following is an entry in ClinVar:

ClinVar aggregate classification (germline): Uncertain significance (1 of 4 stars; one submission).

Conditions:
Epilepsy, progressive myoclonic, 11. Identifiers: MedGen C5394362, MONDO:0030034, OMIM 618876.

Submission:

OLLIN Analises Genomicas, OLLIN
Classification: Uncertain significance for Epilepsy, progressive myoclonic, 11. Last evaluated: 2026-02-13. Review status: criteria provided, single submitter. Criteria: ACMG Guidelines 2015 PMID 25741868. Collection method: clinical testing. Allele origin: germline. Observed: 1 variant allele.
Comment: PM2_P, BP4_M

NM_032108.4(SEMA6B):c.2377G>A (p.Ala793Thr)

Gene: SEMA6B (semaphorin 6B; minus strand). Cytogenetic location: 19p13.3.
Variant type: single nucleotide variant.
Coding change: c.2377G>A on transcript NM_032108.4 (MANE Select); coding-DNA position 2377, G replaced by A.
Protein change: p.Ala793Thr; replaces alanine 793 with threonine.
Molecular consequence: missense variant.
Genome position (GRCh38, 1-based): chr19:4,543,891, C>T on the plus strand (G>A on the coding strand, the complement: SEMA6B is on the minus strand). VCF-style: chr19-4543891-C-T. GRCh37 (hg19) VCF-style: chr19-4543903-C-T.
Other names: short protein forms A793T.
Identifiers: ClinVar variation 4814101 (VCV004814101.1).